The following is an entry in ClinVar:

NM_001256071.3(RNF213):c.467C>T (p.Thr156Met)

Gene: RNF213 (ring finger protein 213; plus strand). Cytogenetic location: 17q25.3.
Variant type: single nucleotide variant.
Coding change: c.467C>T on transcript NM_001256071.3 (MANE Select); coding-DNA position 467, C replaced by T.
Protein change: p.Thr156Met; replaces threonine 156 with methionine.
Molecular consequence: missense variant.
Genome position (GRCh38, 1-based): chr17:80,288,020, C>T. VCF-style: chr17-80288020-C-T. GRCh37 (hg19) VCF-style: chr17-78261819-C-T.
Other names: c.614C>T, p.Thr205Met (NM_001410195.1, NM_020914.5); c.467C>T, p.Thr156Met (NM_020954.4); short protein forms T156M, T205M.
Identifiers: ClinVar variation 2580595 (VCV002580595.1), dbSNP rs577975389, ClinGen allele CA8819258.

ClinVar aggregate classification (germline): Uncertain significance (1 of 4 stars; one submission).

Allele frequency attached by ClinVar (database versions not stated): TOPMed 0.00002; gnomAD 0.00006; 1000 Genomes Project 30x 0.00047; 1000 Genomes Project 0.00060.
gnomAD v4.1: 174 of 1,595,958 alleles (0.011%); highest among the groups gnomAD compares: South Asian, 0.16%; 3 homozygotes.

Submission:

GeneDx
Classification: Uncertain significance. Last evaluated: 2023-03-20. Review status: criteria provided, single submitter. Criteria: GeneDx Variant Classification Process June 2021. Collection method: clinical testing. Allele origin: germline. Affected: yes.
Comment: In silico analysis supports that this missense variant does not alter protein structure/function; Has not been previously published as pathogenic or benign to our knowledge